The following is an entry in ClinVar:

ClinVar aggregate classification (germline): Uncertain significance (1 of 4 stars; one submission).

Conditions:
DK1-congenital disorder of glycosylation. Also called: CDG Im; DK1 DEFICIENCY; DOLICHOL KINASE DEFICIENCY; CONGENITAL DISORDER OF GLYCOSYLATION, TYPE Im; DK1-CDG; DOLK-congenital disorder of glycosylation. Identifiers: Orphanet 91131, MedGen C1835849, MONDO:0012556, OMIM 610768.

Allele frequency attached by ClinVar (database versions not stated): TOPMed below 0.00001.

Submission:

Labcorp Genetics (formerly Invitae), Labcorp
Classification: Uncertain significance for DK1-congenital disorder of glycosylation. Last evaluated: 2023-12-06. Review status: criteria provided, single submitter. Criteria: Invitae Variant Classification Sherloc (09022015). Collection method: clinical testing. Allele origin: germline.
Comment: This variant, c.1344_1346dup, results in the insertion of 1 amino acid(s) of the DOLK protein (p.Val449dup), but otherwise preserves the integrity of the reading frame. This variant is not present in population databases (gnomAD no frequency). This variant has not been reported in the literature in individuals affected with DOLK-related conditions. ClinVar contains an entry for this variant (Variation ID: 1937934). Experimental studies and prediction algorithms are not available or were not evaluated, and the functional significance of this variant is currently unknown. In summary, the available evidence is currently insufficient to determine the role of this variant in disease. Therefore, it has been classified as a Variant of Uncertain Significance.

NM_014908.4(DOLK):c.1344_1346dup (p.Val449_Gly450insVal)

Gene: DOLK (dolichol kinase; minus strand). Cytogenetic location: 9q34.11.
Variant type: Duplication.
Coding change: c.1344_1346dup on transcript NM_014908.4 (MANE Select); coding-DNA positions 1344 to 1346, 3 bases duplicated (TGT; older notation c.1344_1346dupTGT).
Protein change: p.Val449_Gly450insVal.
Molecular consequence: inframe insertion.
Genome position (GRCh38, 1-based): chr9:128,945,958-128,945,960, ACA duplicated on the plus strand (TGT on the coding strand, the reverse complement: DOLK is on the minus strand). VCF-style (leftmost placement, unchanged base first): chr9-128945957-C-CACA. GRCh37 (hg19) VCF-style: chr9-131708236-C-CACA.
Identifiers: ClinVar variation 1937934 (VCV001937934.4), dbSNP rs1464190315, ClinGen allele CA860308857.